The following is an entry in ClinVar:

ClinVar aggregate classification (germline): Uncertain significance (1 of 4 stars; one submission).

Conditions:
Inborn genetic diseases. Identifiers: MedGen C0950123, MeSH D030342.

gnomAD v4.1: 1 of 1,610,824 alleles (0.000062%); highest among the groups gnomAD compares: Non-Finnish European, 0.000085%; no homozygotes.

Submission:

Ambry Genetics
Classification: Uncertain significance for Inborn genetic diseases. Last evaluated: 2025-08-23. Review status: criteria provided, single submitter. Criteria: Ambry Variant Classification Scheme 2023. Collection method: clinical testing. Allele origin: germline.
Comment: The p.M582I variant (also known as c.1746G>A), located in coding exon 20 of the RTEL1 gene, results from a G to A substitution at nucleotide position 1746. The methionine at codon 582 is replaced by isoleucine, an amino acid with highly similar properties. This amino acid position is conserved. In addition, this alteration is predicted to be tolerated by in silico analysis. Based on the available evidence, the clinical significance of this variant remains unclear.

NM_001283009.2(RTEL1):c.1746G>A (p.Met582Ile)

Genes: RTEL1 (regulator of telomere elongation helicase 1; plus strand), RTEL1-TNFRSF6B (RTEL1-TNFRSF6B readthrough (NMD candidate); plus strand). Cytogenetic location: 20q13.33.
Variant type: single nucleotide variant.
Coding change: c.1746G>A on transcript NM_001283009.2 (MANE Select); coding-DNA position 1746, G replaced by A.
Protein change: p.Met582Ile; replaces methionine 582 with isoleucine.
Molecular consequence: missense variant. On other transcripts: non-coding transcript variant (1).
Genome position (GRCh38, 1-based): chr20:63,688,551, G>A. VCF-style: chr20-63688551-G-A. GRCh37 (hg19) VCF-style: chr20-62319904-G-A.
Other names: c.1077G>A, p.Met359Ile (NM_001283010.1); c.1746G>A, p.Met582Ile (NM_016434.4); c.1818G>A, p.Met606Ile (NM_032957.5); short protein forms M606I, M582I, M359I.
Identifiers: ClinVar variation 4157690 (VCV004157690.1).